The following is an entry in ClinVar:

ClinVar aggregate classification (germline): Uncertain significance (1 of 4 stars; one submission).

Conditions:
Rubinstein-Taybi syndrome (RSTS). Identifiers: Orphanet 783, MedGen C0035934, MONDO:0019188.

Submission:

Labcorp Genetics (formerly Invitae), Labcorp
Classification: Uncertain significance for Rubinstein-Taybi syndrome. Last evaluated: 2024-10-20. Review status: criteria provided, single submitter. Criteria: Invitae Variant Classification Sherloc (09022015). Collection method: clinical testing. Allele origin: germline.
Comment: This sequence change replaces methionine, which is neutral and non-polar, with valine, which is neutral and non-polar, at codon 250 of the CREBBP protein (p.Met250Val). This variant is not present in population databases (gnomAD no frequency). This variant has not been reported in the literature in individuals affected with CREBBP-related conditions. Invitae Evidence Modeling of protein sequence and biophysical properties (such as structural, functional, and spatial information, amino acid conservation, physicochemical variation, residue mobility, and thermodynamic stability) indicates that this missense variant is not expected to disrupt CREBBP protein function with a negative predictive value of 95%. In summary, the available evidence is currently insufficient to determine the role of this variant in disease. Therefore, it has been classified as a Variant of Uncertain Significance.

NM_004380.3(CREBBP):c.748A>G (p.Met250Val)

Gene: CREBBP (CREB binding lysine acetyltransferase; minus strand). Cytogenetic location: 16p13.3.
Variant type: single nucleotide variant.
Coding change: c.748A>G on transcript NM_004380.3 (MANE Select); coding-DNA position 748, A replaced by G.
Protein change: p.Met250Val; replaces methionine 250 with valine.
Molecular consequence: missense variant.
Genome position (GRCh38, 1-based): chr16:3,850,347, T>C on the plus strand (A>G on the coding strand, the complement: CREBBP is on the minus strand). VCF-style: chr16-3850347-T-C. GRCh37 (hg19) VCF-style: chr16-3900348-T-C.
Other names: c.748A>G, p.Met250Val (NM_001079846.1); short protein forms M250V.
Identifiers: ClinVar variation 3678905 (VCV003678905.2).